The following is an entry in ClinVar:

NM_181486.4(TBX5):c.1158del (p.Ser387fs)

Gene: TBX5 (T-box transcription factor 5; minus strand). Cytogenetic location: 12q24.21.
Variant type: Deletion.
Coding change: c.1158del on transcript NM_181486.4 (MANE Select); coding-DNA position 1158, one base deleted (C; older notation c.1158delC).
Protein change: p.Ser387fs; shifts the reading frame from serine 387.
Molecular consequence: frameshift variant.
Genome position (GRCh38, 1-based): chr12:114,355,931, G deleted on the plus strand (C on the coding strand, the reverse complement: TBX5 is on the minus strand); the first of 6 consecutive G bases (chr12:114,355,931-114,355,936); deleting any one gives the same sequence. VCF-style (leftmost placement, unchanged base first): chr12-114355930-TG-T. GRCh37 (hg19) VCF-style: chr12-114793735-TG-T.
Other names: c.1158delC (NM_000192.3); c.1158del, p.Ser387fs (NM_000192.3); c.1008del, p.Ser337fs (NM_080717.4); short protein forms S387fs, S337fs.
Identifiers: ClinVar variation 422574 (VCV000422574.2), dbSNP rs1064795870, ClinGen allele CA16619435.
Genomic context (GRCh38, chr12:114,355,930, plus strand): 5'-AGGAAGGCATGCTTGGCCACGTGTTGCAGCTGATGTCCTCTAGGCTGGGCACAGGCTCGC[TG>T]GGGGGCGCAGAGCTGGCATACATGCAAGCTTGCCGCTGTGCCGACTCTGTCCTGTAGGAG-3'

ClinVar aggregate classification (germline): Likely pathogenic (1 of 4 stars; one submission).

Submission:

GeneDx
Classification: Likely pathogenic. Last evaluated: 2016-12-05. Review status: criteria provided, single submitter. Criteria: GeneDx Variant Classification (06012015). Collection method: clinical testing. Allele origin: germline. Affected: yes.
Comment: A novel c.1158delC variant that is likely pathogenic has not been published as a pathogenic variant, nor has it been reported as a benign variant to our knowledge. The variant was not observed in approximately 6500 individuals of European and African American ancestry in the NHLBI Exome Sequencing Project, indicating it is not a common benign variant in these populations. This variant has been observed as de novo at GeneDx. The c.1158delC variant causes a frameshift starting with codon Serine 387, changes this amino acid to a Alanine residue and creates a premature Stop codon at position 7 of the new reading frame, denoted p.Ser387AlafsX7. This variant may cause loss of normal protein function through protein truncation. Therefore, c.1158delC is likely pathogenic; however, the possibility that it is benign cannot be excluded.